The following is an entry in ClinVar:

NM_014283.5(SUCO):c.103G>A (p.Ala35Thr)

Gene: SUCO (SUN domain containing ossification factor; plus strand). Cytogenetic location: 1q24.3.
Variant type: single nucleotide variant.
Coding change: c.103G>A on transcript NM_014283.5 (MANE Select); coding-DNA position 103, G replaced by A.
Protein change: p.Ala35Thr; replaces alanine 35 with threonine.
Molecular consequence: missense variant. On other transcripts: 5 prime UTR variant (1).
Genome position (GRCh38, 1-based): chr1:172,551,552, G>A. VCF-style: chr1-172551552-G-A. GRCh37 (hg19) VCF-style: chr1-172520692-G-A.
Other names: c.103G>A, p.Ala35Thr (NM_001282750.2); c.-1427G>A (NM_001282751.2); c.688G>A, p.Ala230Thr (NM_016227.4); c.688G>A (NM_016227.3); short protein forms A230T, A35T.
Identifiers: ClinVar variation 1613212 (VCV001613212.10), dbSNP rs113997299, ClinGen allele CA1246458.

ClinVar aggregate classification (germline): Benign. Review status: criteria provided, single submitter (1 of 4 stars). 2 submissions from 2 submitters: Benign (1). 1 of the submissions does not count toward it. Last evaluated 2026-01-13.

Conditions:
SUCO-related disorder. Also called: SUCO-related condition.

Allele frequency attached by ClinVar (database versions not stated): gnomAD exomes 0.00051 and 0.00142; gnomAD 0.00551 and 0.00585; 1000 Genomes Project 0.00639; ExAC 0.00174; 1000 Genomes Project 30x 0.00703; TOPMed 0.00609; ESP Exome Variant Server 0.00654.
gnomAD v4.1: 1,616 of 1,611,340 alleles (0.1%); highest among the groups gnomAD compares: African/African-American, 1.9%; 19 homozygotes.

Submissions (2):

Labcorp Genetics (formerly Invitae), Labcorp
Classification: Benign. Last evaluated: 2026-01-13. Review status: criteria provided, single submitter. Criteria: Invitae Variant Classification Sherloc (09022015). Collection method: clinical testing. Allele origin: germline.

PreventionGenetics, part of Exact Sciences
Classification: Benign for SUCO-related condition. Last evaluated: 2019-11-07. Review status: no assertion criteria provided. Collection method: clinical testing. Allele origin: germline. Not counted in ClinVar's aggregate classification.
Comment: This variant is classified as benign based on ACMG/AMP sequence variant interpretation guidelines (Richards et al. 2015 PMID: 25741868, with internal and published modifications).